The following is an entry in ClinVar:

NM_003072.5(SMARCA4):c.4495G>A (p.Glu1499Lys)

Gene: SMARCA4 (SWI/SNF related BAF chromatin remodeling complex subunit ATPase 4; plus strand). Cytogenetic location: 19p13.2.
Variant type: single nucleotide variant.
Coding change: c.4495G>A on transcript NM_003072.5 (MANE Select); coding-DNA position 4495, G replaced by A.
Protein change: p.Glu1499Lys; replaces glutamic acid 1499 with lysine.
Molecular consequence: missense variant. On other transcripts: non-coding transcript variant (1).
Genome position (GRCh38, 1-based): chr19:11,058,325, G>A. VCF-style: chr19-11058325-G-A. GRCh37 (hg19) VCF-style: chr19-11169001-G-A.
Other names: c.4495G>A, p.Glu1499Lys (NM_001128844.3); c.4405G>A, p.Glu1469Lys (NM_001128845.2); c.4402G>A, p.Glu1468Lys (NM_001128846.2); c.4396G>A, p.Glu1466Lys (NM_001128847.4, NM_001374457.1); c.4393G>A, p.Glu1465Lys (NM_001128848.2); c.4591G>A, p.Glu1531Lys (NM_001128849.3, NM_001387283.1); short protein forms E1465K, E1466K, E1468K, E1469K, E1499K, E1531K.
Identifiers: ClinVar variation 1061111 (VCV001061111.9), dbSNP rs1555795053, ClinGen allele CA404077747.
Genomic context (GRCh38, chr19:11,058,325, plus strand): 5'-CGTCAGCTCAGCGAGGTCTTCATCCAGCTGCCCTCGCGAAAGGAGCTGCCCGAGTACTAC[G>A]AGCTCATCCGCAAGCCCGTGGACTTCAAGAAGATAAAGGTAACCCTGACGTTGTACCTGC-3'
Protein context (NP_003063.2, residues 1489-1509): PSRKELPEYY[Glu1499Lys]LIRKPVDFKK

ClinVar aggregate classification (germline): Uncertain significance (1 of 4 stars; one submission).

Conditions:
Rhabdoid tumor predisposition syndrome 2 (RTPS2). Identifiers: Orphanet 231108, Orphanet 69077, MedGen C2750074, MONDO:0013224, OMIM 613325.

Allele frequency attached by ClinVar (database versions not stated): gnomAD exomes below 0.00001.
gnomAD v4.1: 1 of 1,613,446 alleles (0.000062%); highest among the groups gnomAD compares: Non-Finnish European, 0.000085%; no homozygotes.

Submission:

Labcorp Genetics (formerly Invitae), Labcorp
Classification: Uncertain significance for Rhabdoid tumor predisposition syndrome 2. Last evaluated: 2021-03-02. Review status: criteria provided, single submitter. Criteria: Invitae Variant Classification Sherloc (09022015). Collection method: clinical testing. Allele origin: germline.
Comment: In summary, the available evidence is currently insufficient to determine the role of this variant in disease. Therefore, it has been classified as a Variant of Uncertain Significance. Algorithms developed to predict the effect of missense changes on protein structure and function (SIFT, PolyPhen-2, Align-GVGD) all suggest that this variant is likely to be disruptive, but these predictions have not been confirmed by published functional studies and their clinical significance is uncertain. This variant has not been reported in the literature in individuals with SMARCA4-related conditions. This variant is not present in population databases (ExAC no frequency). This sequence change replaces glutamic acid with lysine at codon 1531 of the SMARCA4 protein (p.Glu1531Lys). The glutamic acid residue is highly conserved and there is a small physicochemical difference between glutamic acid and lysine.